The following is an entry in ClinVar:

NM_000350.3(ABCA4):c.5313-283T>G

Gene: ABCA4 (ATP binding cassette subfamily A member 4; minus strand). Cytogenetic location: 1p22.1.
Variant type: single nucleotide variant.
Coding change: c.5313-283T>G on transcript NM_000350.3 (MANE Select); 283 bases into the intron before coding-DNA position 5313, T replaced by G.
Molecular consequence: intron variant.
Genome position (GRCh38, 1-based): chr1:94,014,973, A>C on the plus strand (T>G on the coding strand, the complement: ABCA4 is on the minus strand). VCF-style: chr1-94014973-A-C. GRCh37 (hg19) VCF-style: chr1-94480529-A-C.
Identifiers: ClinVar variation 680455 (VCV000680455.1), dbSNP rs3818778, ClinGen allele CA15093589.
Genomic context (GRCh38, chr1:94,014,973, plus strand): 5'-AAATGGGCTGCTAGCTGTGTATATACTCTGTAAACTACAAAGCCCTGTACAATTCATAGG[A>C]GGGTTCTCCAGCCTGCAACACCTCCCACTCTAGCCTGGGTCAGCAAAGCCCAGCTGAGGT-3'

ClinVar aggregate classification (germline): Benign (1 of 4 stars; one submission).

Allele frequency attached by ClinVar (database versions not stated): 1000 Genomes Project 0.39177; 1000 Genomes Project 30x 0.39397; TOPMed 0.46078; gnomAD 0.48248.
gnomAD v4.1: 72,566 of 151,980 alleles (48%); highest among the groups gnomAD compares: Middle Eastern, 62%; 17,766 homozygotes.

Submission:

GeneDx
Classification: Benign. Last evaluated: 2018-06-19. Review status: criteria provided, single submitter. Criteria: GeneDx Variant Classification (06012015). Collection method: clinical testing. Allele origin: germline. Affected: yes.
Comment: This variant is considered likely benign or benign based on one or more of the following criteria: it is a conservative change, it occurs at a poorly conserved position in the protein, it is predicted to be benign by multiple in silico algorithms, and/or has population frequency not consistent with disease.